The following is an entry in ClinVar:

NM_015559.3(SETBP1):c.987T>C (p.Pro329=)

Gene: SETBP1 (SET binding protein 1; plus strand). Cytogenetic location: 18q12.3.
Variant type: single nucleotide variant.
Coding change: c.987T>C on transcript NM_015559.3 (MANE Select); coding-DNA position 987, T replaced by C.
Protein change: p.Pro329=; no amino-acid change (proline 329 retained).
Molecular consequence: synonymous variant.
Genome position (GRCh38, 1-based): chr18:44,950,327, T>C. VCF-style: chr18-44950327-T-C. GRCh37 (hg19) VCF-style: chr18-42530292-T-C.
Other names: c.987T>C, p.Pro329= (NM_001379141.1, NM_001379142.1); c.987T>C (NM_015559.2).
Identifiers: ClinVar variation 1659243 (VCV001659243.11), dbSNP rs371212525, ClinGen allele CA8945526.
Genomic context (GRCh38, chr18:44,950,327, plus strand): 5'-CGGGCTTCAGCCCTTGGTGGATCAAGATGGAGGAGGTACAAAGGAGCCCCCAGAACCACC[T>C]ACGGTGGGCAGCAAGAAAAAGTCCAGTAAAAAAGATGTGATAAGTCAGACCATACCAAAC-3'
Protein context (NP_056374.2, residues 319-339): GGGTKEPPEP[Pro329=]TVGSKKKSSK

ClinVar aggregate classification (germline): Likely benign. Review status: criteria provided, multiple submitters, no conflicts (2 of 4 stars). 3 submissions from 3 submitters: Likely benign (2). 1 of the submissions does not count toward it. Last evaluated 2025-12-09.

Conditions:
SETBP1-related disorder. Also called: SETBP1-related condition; SETBP1-related disorders.

Allele frequency attached by ClinVar (database versions not stated): gnomAD exomes below 0.00001 and 0.00001; ExAC 0.00001; TOPMed 0.00008; gnomAD 0.00009 and 0.00010; ESP Exome Variant Server 0.00015.
gnomAD v4.1: 20 of 1,613,906 alleles (0.0012%); highest among the groups gnomAD compares: African/African-American, 0.027%; no homozygotes.

Submissions (3):

Labcorp Genetics (formerly Invitae), Labcorp
Classification: Likely benign. Last evaluated: 2025-12-09. Review status: criteria provided, single submitter. Criteria: Invitae Variant Classification Sherloc (09022015). Collection method: clinical testing. Allele origin: germline.

Women's Health and Genetics/Laboratory Corporation of America, LabCorp
Classification: Likely benign. Last evaluated: 2023-08-23. Review status: criteria provided, single submitter. Criteria: LabCorp Variant Classification Summary - May 2015. Collection method: clinical testing. Allele origin: germline.

PreventionGenetics, part of Exact Sciences
Classification: Likely benign for SETBP1-related condition. Last evaluated: 2023-12-29. Review status: no assertion criteria provided. Collection method: clinical testing. Allele origin: germline. Not counted in ClinVar's aggregate classification.
Comment: This variant is classified as likely benign based on ACMG/AMP sequence variant interpretation guidelines (Richards et al. 2015 PMID: 25741868, with internal and published modifications).